The following is an entry in ClinVar:

NM_006371.5(CRTAP):c.469A>G (p.Lys157Glu)

Gene: CRTAP (cartilage associated protein; plus strand). Cytogenetic location: 3p22.3.
Variant type: single nucleotide variant.
Coding change: c.469A>G on transcript NM_006371.5 (MANE Select); coding-DNA position 469, A replaced by G.
Protein change: p.Lys157Glu; replaces lysine 157 with glutamic acid.
Molecular consequence: missense variant.
Genome position (GRCh38, 1-based): chr3:33,114,546, A>G. VCF-style: chr3-33114546-A-G. GRCh37 (hg19) VCF-style: chr3-33156038-A-G.
Other names: c.469A>G, p.Lys157Glu (NM_001393363.1, NM_001393364.1, NM_001393365.1); short protein forms K157E.
Identifiers: ClinVar variation 3907056 (VCV003907056.1).
Genomic context (GRCh38, chr3:33,114,546, plus strand): 5'-GAGGTGCTGGCGGACTTCCAGCGCCGCGAGCCCTACAAGTTCCTGCAGTTCGCTTACTTC[A>G]AGGCAAGTCCGCCTCGCCCCGTCCCAGGCCCCGGCCCCGCCCCTGACCCAGCCTCCAGGC-3'
Protein context (NP_006362.1, residues 147-167): PYKFLQFAYF[Lys157Glu]ANNLPKAIAA

ClinVar aggregate classification (germline): Uncertain significance (1 of 4 stars; one submission).

Submission:

Women's Health and Genetics/Laboratory Corporation of America, LabCorp
Classification: Uncertain significance. Last evaluated: 2025-06-17. Review status: criteria provided, single submitter. Criteria: LabCorp Variant Classification Summary - May 2015. Collection method: clinical testing. Allele origin: germline.
Comment: Variant summary: CRTAP c.469A>G (p.Lys157Glu) results in a conservative amino acid change in the encoded protein sequence. Algorithms developed to predict the effect of missense changes on protein structure and function are either unavailable or do not agree on the potential impact of this missense change. Consensus agreement among computation tools predict no significant impact on normal splicing. However, these predictions have yet to be confirmed by functional studies. The variant was absent in 194416 control chromosomes. The available data on variant occurrences in the general population are insufficient to allow any conclusion about variant significance. c.469A>G has been observed in an individual affected with Osteogenesis Imperfecta (Van Dijk_2009). These report(s) do not provide unequivocal conclusions about association of the variant with Osteogenesis Imperfecta. To our knowledge, no experimental evidence demonstrating an impact on protein function has been reported. The following publication have been ascertained in the context of this evaluation (PMID: 19550437). No submitters have cited clinical-significance assessments for this variant to ClinVar. Based on the evidence outlined above, the variant was classified as uncertain significance.

Literature cited by the submitters: PubMed 19550437.